The following is an entry in ClinVar:

NM_003872.3(NRP2):c.1926G>A (p.Ser642=)

Genes: NRP2 (neuropilin 2; plus strand), LOC126806481 (CDK7 strongly-dependent group 2 enhancer GRCh37_chr2:206617009-206618208; plus strand). Cytogenetic location: 2q33.3.
Variant type: single nucleotide variant.
Coding change: c.1926G>A on transcript NM_003872.3 (MANE Select); coding-DNA position 1926, G replaced by A.
Protein change: p.Ser642=; no amino-acid change (serine 642 retained).
Molecular consequence: synonymous variant.
Genome position (GRCh38, 1-based): chr2:205,752,857, G>A. VCF-style: chr2-205752857-G-A. GRCh37 (hg19) VCF-style: chr2-206617581-G-A.
Other names: NC_000002.11:g.206617581G>A; c.1926G>A, p.Ser642= (NM_018534.4, NM_201266.2, NM_201267.2 and 1 more transcripts).
Identifiers: ClinVar variation 3354876 (VCV003354876.2).
Genomic context (GRCh38, chr2:205,752,857, plus strand): 5'-CATTTGCCTTCCTTTGGGTTATTGTTTTCCCCTTTTAGACAAAGATTTGCAGCTCCCTTC[G>A]GGATTCAATTGCAACTTCGATTTCCTCGAGGAGCCCTGTGGTTGGATGTATGACCATGCC-3'
Protein context (NP_003863.2, residues 632-652): FEDDKDLQLP[Ser642=]GFNCNFDFLE

ClinVar aggregate classification (germline): Likely benign (0 of 4 stars; one submission).

Conditions:
NRP2-related disorder. Also called: NRP2-related condition.

gnomAD v4.1: 35 of 1,613,978 alleles (0.0022%); highest among the groups gnomAD compares: East Asian, 0.025%; no homozygotes.

Submissions (2):

PreventionGenetics, part of Exact Sciences
Classification: Likely benign for NRP2-related condition. Last evaluated: 2024-09-13. Review status: no assertion criteria provided. Collection method: clinical testing. Allele origin: germline.
Comment: This variant is classified as likely benign based on ACMG/AMP sequence variant interpretation guidelines (Richards et al. 2015 PMID: 25741868, with internal and published modifications).

Dr. Peter K. Rogan Lab, Western University
No classification provided (evidence only). Condition: Gastric cancer. Review status: no classification provided. Collection method: in vitro. Allele origin: not applicable. Functional consequence: retained intron. Not counted in ClinVar's aggregate classification.